The following is an entry in ClinVar:

ClinVar aggregate classification (germline): Uncertain significance (1 of 4 stars; one submission).

Conditions:
Neuronal ceroid lipofuscinosis. Also called: Neuronal Ceroid Lipofuscinoses. Identifiers: Orphanet 216, Orphanet 79263, MedGen C0027877, MONDO:0016295. Disease mechanism: loss of function.

gnomAD v4.1: 16 of 1,368,704 alleles (0.0012%); highest among the groups gnomAD compares: South Asian, 0.014%; no homozygotes.

Submission:

Labcorp Genetics (formerly Invitae), Labcorp
Classification: Uncertain significance for Neuronal ceroid lipofuscinosis. Last evaluated: 2021-10-12. Review status: criteria provided, single submitter. Criteria: Invitae Variant Classification Sherloc (09022015). Collection method: clinical testing. Allele origin: germline.
Comment: This sequence change replaces serine with arginine at codon 309 of the CLN6 protein (p.Ser309Arg). The serine residue is moderately conserved and there is a moderate physicochemical difference between serine and arginine. The frequency data for this variant in the population databases is considered unreliable, as metrics indicate poor data quality at this position in the ExAC database. This variant has not been reported in the literature in individuals with CLN6-related conditions. Algorithms developed to predict the effect of missense changes on protein structure and function output the following: SIFT: "Tolerated"; PolyPhen-2: "Benign"; Align-GVGD: "Class C0". The arginine amino acid residue is found in multiple mammalian species, suggesting that this missense change does not adversely affect protein function. These predictions have not been confirmed by published functional studies and their clinical significance is uncertain. In summary, the available evidence is currently insufficient to determine the role of this variant in disease. Therefore, it has been classified as a Variant of Uncertain Significance.

NM_017882.3(CLN6):c.925A>C (p.Ser309Arg)

Gene: CLN6 (CLN6 transmembrane ER protein; minus strand). Cytogenetic location: 15q23.
Variant type: single nucleotide variant.
Coding change: c.925A>C on transcript NM_017882.3 (MANE Select); coding-DNA position 925, A replaced by C.
Protein change: p.Ser309Arg; replaces serine 309 with arginine.
Molecular consequence: missense variant.
Genome position (GRCh38, 1-based): chr15:68,208,151, T>G on the plus strand (A>C on the coding strand, the complement: CLN6 is on the minus strand). VCF-style: chr15-68208151-T-G. GRCh37 (hg19) VCF-style: chr15-68500489-T-G.
Other names: short protein forms S309R.
Identifiers: ClinVar variation 1425357 (VCV001425357.3), dbSNP rs762916725, ClinGen allele CA7630441.